The following is an entry in ClinVar:

NM_000343.4(SLC5A1):c.1403C>A (p.Ala468Glu)

Gene: SLC5A1 (solute carrier family 5 member 1; plus strand). Cytogenetic location: 22q12.3.
Variant type: single nucleotide variant.
Coding change: c.1403C>A on transcript NM_000343.4 (MANE Select); coding-DNA position 1403, C replaced by A.
Protein change: p.Ala468Glu; replaces alanine 468 with glutamic acid.
Molecular consequence: missense variant.
Genome position (GRCh38, 1-based): chr22:32,099,305, C>A. VCF-style: chr22-32099305-C-A. GRCh37 (hg19) VCF-style: chr22-32495292-C-A.
Other names: c.1022C>A, p.Ala341Glu (NM_001256314.2); short protein forms A341E, A468E.
Identifiers: ClinVar variation 1383211 (VCV001383211.8), dbSNP rs200406921, ClinGen allele CA10198224.

ClinVar aggregate classification (germline): Uncertain significance. Review status: criteria provided, multiple submitters, no conflicts (2 of 4 stars). 2 submissions from 2 submitters: Uncertain significance (2). Last evaluated 2024-02-20.

Conditions:
Congenital glucose-galactose malabsorption (GGM). Also called: MONOSACCHARIDE MALABSORPTION; DIARRHEA 16. Identifiers: Orphanet 35710, MedGen C0268186, MONDO:0011731, OMIM 606824.

gnomAD v4.1: 51 of 1,613,280 alleles (0.0032%); highest among the groups gnomAD compares: Non-Finnish European, 0.0042%; no homozygotes.

Submissions (2):

Fulgent Genetics
Classification: Uncertain significance for Congenital glucose-galactose malabsorption. Last evaluated: 2024-02-20. Review status: criteria provided, single submitter. Criteria: ACMG Guidelines, 2015. Collection method: clinical testing. Allele origin: germline.

Labcorp Genetics (formerly Invitae), Labcorp
Classification: Uncertain significance for Congenital glucose-galactose malabsorption. Last evaluated: 2021-04-27. Review status: criteria provided, single submitter. Criteria: Invitae Variant Classification Sherloc (09022015). Collection method: clinical testing. Allele origin: germline.
Comment: This variant has not been reported in the literature in individuals with SLC5A1-related conditions. Algorithms developed to predict the effect of missense changes on protein structure and function are either unavailable or do not agree on the potential impact of this missense change (SIFT: "Deleterious"; PolyPhen-2: "Benign"; Align-GVGD: "Class C65"). In summary, the available evidence is currently insufficient to determine the role of this variant in disease. Therefore, it has been classified as a Variant of Uncertain Significance. This variant is present in population databases (rs200406921, ExAC 0.001%). This sequence change replaces alanine with glutamic acid at codon 468 of the SLC5A1 protein (p.Ala468Glu). The alanine residue is highly conserved and there is a moderate physicochemical difference between alanine and glutamic acid.